The following is an entry in ClinVar:

ClinVar aggregate classification (germline): Uncertain significance (1 of 4 stars; one submission).

Conditions:
Familial cancer of breast. Also called: hereditary breast carcinoma; BREAST CANCER, FAMILIAL; Hereditary breast cancer. Identifiers: Orphanet 227535, MedGen C0346153, MONDO:0016419, OMIM 114480. Disease mechanism: loss of function.
Fanconi anemia complementation group J. Also called: BRIP1-Related Fanconi Anemia. Identifiers: Orphanet 84, MedGen C1836860, MONDO:0012187, OMIM 609054.

Submission:

Labcorp Genetics (formerly Invitae), Labcorp
Classification: Uncertain significance for Familial cancer of breast; Fanconi anemia, complementation group J. Last evaluated: 2018-03-06. Review status: criteria provided, single submitter. Criteria: Invitae Variant Classification Sherloc (09022015). Collection method: clinical testing. Allele origin: germline.
Comment: A gross duplication of the genomic region encompassing the full coding sequence of the BRIP1 gene has been identified. The boundaries of this event are unknown as the duplication extends beyond the assayed region for this gene and therefore may encompass additional genes. As the precise location of this duplication is unknown, it may be in tandem or it may be located elsewhere in the genome. Whole gene duplication of BRIP1 has not been reported in the literature in individuals with BRIP1-related disease. In summary, the available evidence is currently insufficient to determine the role of this variant in disease. Therefore, it has been classified as a Variant of Uncertain Significance.

NC_000017.10:g.(?_59760651)_(59938906_?)dup

Genes: BRIP1 (BRCA1 interacting DNA helicase 1; minus strand), LOC130061360 (ATAC-STARR-seq lymphoblastoid active region 12535; plus strand), LOC110120932 (VISTA enhancer hs778; plus strand). Cytogenetic location: 17q23.2.
Variant type: Duplication.
Identifiers: ClinVar variation 584054 (VCV000584054.3).